The following is an entry in ClinVar:

NM_000443.4(ABCB4):c.1406_1409del (p.Arg469fs)

Gene: ABCB4 (ATP binding cassette subfamily B member 4; minus strand). Cytogenetic location: 7q21.12.
Variant type: Deletion.
Coding change: c.1406_1409del on transcript NM_000443.4 (MANE Select); coding-DNA positions 1406 to 1409, 4 bases deleted (GGGA; older notation c.1406_1409delGGGA).
Protein change: p.Arg469fs; shifts the reading frame from arginine 469.
Molecular consequence: frameshift variant.
Genome position (GRCh38, 1-based): chr7:87,440,350-87,440,353, TCCC deleted on the plus strand (GGGA on the coding strand, the reverse complement: ABCB4 is on the minus strand); deleting any 4 consecutive bases within chr7:87,440,350-87,440,355 gives the same sequence; the c. name uses the placement nearest the transcript's 3' end. VCF-style (leftmost placement, unchanged base first): chr7-87440349-TTCCC-T. GRCh37 (hg19) VCF-style: chr7-87069665-TTCCC-T.
Other names: c.1406_1409del, p.Arg469fs (NM_018849.3, NM_018850.3); c.1406_1409delGGGA (NM_000443.3); short protein forms R469fs.
Identifiers: ClinVar variation 2584520 (VCV002584520.2), dbSNP rs2546830021, ClinGen allele CA2582341731.
Genomic context (GRCh38, chr7:87,440,349, plus strand): 5'-AATATTTTCAGCAATTGTGGTGGAAAACAGCACCGGCTCCTGACTCACCACACCAATGAT[TTCCC>T]TCAGATAGTTTACATTAAAGTTCCTAATATCCTGCCCATCAATGTTAATCTGAAAGAAAG-3'

ClinVar aggregate classification (germline): Pathogenic/Likely pathogenic. Review status: criteria provided, multiple submitters, no conflicts (2 of 4 stars). 2 submissions from 2 submitters: Pathogenic (1); Likely pathogenic (1). Last evaluated 2026-07-20.

Conditions:
ABCB4-related disorder. Also called: ABCB4-related disorders; ABCB4-related condition.

Submissions (2):

PreventionGenetics, part of Exact Sciences
Classification: Pathogenic for ABCB4-related condition. Last evaluated: 2026-07-20. Review status: criteria provided, single submitter. Criteria: ACMG Guidelines, 2015. Collection method: clinical testing. Allele origin: germline.
Comment: The ABCB4 c.1406_1409delGGGA variant is predicted to result in a frameshift and premature protein termination (p.Arg469Lysfs*6). To our knowledge, this variant has not been reported in the literature or in a large population database, indicating this variant is rare. Frameshift variants in ABCB4 are expected to be pathogenic. This variant is interpreted as pathogenic.

Rady Children's Institute for Genomic Medicine, Rady Children's Hospital San Diego
Classification: Likely pathogenic for ABCB4-related disorders. Review status: criteria provided, single submitter. Criteria: ACMG Guidelines, 2015. Collection method: clinical testing. Allele origin: germline. Affected: yes.
Comment: This frameshifting variant in exon 13 of 28 introduces a premature stop codon and is therefore predicted to result in loss of normal protein function through either protein truncation or nonsense-mediated mRNA decay (NMD). This variant has not been previously reported or functionally characterized in the literature to our knowledge. The c.1406_1409del (p.Arg469LysfsTer6) variant is absent from the gnomAD population database and thus is presumed to be rare.Based on the available evidence, the c.1406_1409del (p.Arg469LysfsTer6) variant is classified as Likely Pathogenic.